The following is an entry in ClinVar:

NM_033629.6(TREX1):c.125G>A (p.Cys42Tyr)

Genes: ATRIP (ATR interacting protein; plus strand), ATRIP-TREX1 (ATRIP-TREX1 readthrough; plus strand), TREX1 (three prime repair exonuclease 1; plus strand). Cytogenetic location: 3p21.31.
Variant type: single nucleotide variant.
Coding change: c.125G>A on transcript NM_033629.6 (MANE Select); coding-DNA position 125, G replaced by A.
Protein change: p.Cys42Tyr; replaces cysteine 42 with tyrosine.
Molecular consequence: missense variant. On other transcripts: non-coding transcript variant (1), 3 prime UTR variant (4).
Genome position (GRCh38, 1-based): chr3:48,466,780, G>A. VCF-style: chr3-48466780-G-A. GRCh37 (hg19) VCF-style: chr3-48508179-G-A.
Other names: c.95G>A, p.Cys32Tyr (NM_007248.5); c.*1226G>A (NM_001271022.2, NM_001271023.2, NM_032166.4 and 1 more transcripts); short protein forms C32Y, C42Y.
Identifiers: ClinVar variation 1686764 (VCV001686764.2), dbSNP rs2107255814, ClinGen allele CA352617304.

ClinVar aggregate classification (germline): Uncertain significance (1 of 4 stars; one submission).

Allele frequency attached by ClinVar (database versions not stated): gnomAD exomes below 0.00001.
gnomAD v4.1: 1 of 1,613,910 alleles (0.000062%); highest among the groups gnomAD compares: Non-Finnish European, 0.000085%; no homozygotes.

Submission:

GeneDx
Classification: Uncertain significance. Last evaluated: 2022-05-20. Review status: criteria provided, single submitter. Criteria: GeneDx Variant Classification Process June 2021. Collection method: clinical testing. Allele origin: germline. Affected: yes.
Comment: Not observed in large population cohorts (gnomAD); In silico analysis supports that this missense variant does not alter protein structure/function; Has not been previously published as pathogenic or benign to our knowledge